The following is an entry in ClinVar:

NM_002473.6(MYH9):c.2105G>A (p.Arg702His)

Gene: MYH9 (myosin heavy chain 9; minus strand). Cytogenetic location: 22q12.3.
Variant type: single nucleotide variant.
Coding change: c.2105G>A on transcript NM_002473.6 (MANE Select); coding-DNA position 2105, G replaced by A.
Protein change: p.Arg702His; replaces arginine 702 with histidine.
Molecular consequence: missense variant.
Genome position (GRCh38, 1-based): chr22:36,305,984, C>T on the plus strand (G>A on the coding strand, the complement: MYH9 is on the minus strand). VCF-style: chr22-36305984-C-T. GRCh37 (hg19) VCF-style: chr22-36702030-C-T.
Other names: c.2105G>A (NM_002473.5); short protein forms R702H.
Identifiers: ClinVar variation 14081 (VCV000014081.52), dbSNP rs80338827, ClinGen allele CA257101.
Genomic context (GRCh38, chr22:36,305,984, plus strand): 5'-GCTCACCTCTGCCGAAACTCCTGGAAGACCACCCTGTTGGGGAAGCCCTGGCGGCAGATA[C>T]GGATGCCCTCGAGAACACCGTTGCAGCGCAGCTGGTCCAGCACGAGATGCGGGTCCAGCT-3'
Protein context (NP_002464.1, residues 692-712): LRCNGVLEGI[Arg702His]ICRQGFPNRV

ClinVar aggregate classification (germline): Pathogenic/Likely pathogenic. Review status: criteria provided, multiple submitters, no conflicts (2 of 4 stars). 12 submissions from 12 submitters: Pathogenic (8); Likely pathogenic (2). 2 of the submissions do not count toward it. Last evaluated 2025-03-24.

Conditions:
MYH9-related disorder. Identifiers: MedGen C1854520.
Macrothrombocytopenia and granulocyte inclusions with or without nephritis or sensorineural hearing loss (MATINS). Also called: MAY-HEGGLIN ANOMALY; MACROTHROMBOCYTOPENIA WITH LEUKOCYTE INCLUSIONS; BLEEDING DISORDER, PLATELET-TYPE, 6; DOHLE LEUKOCYTE INCLUSIONS WITH GIANT PLATELETS; SEBASTIAN PLATELET SYNDROME; MACROTHROMBOCYTOPENIA WITH DISPERSED LEUKOCYTIC INCLUSIONS. Identifiers: Orphanet 182050, MedGen C5200934, MONDO:0015912, OMIM 155100.

Allele frequency attached by ClinVar (database versions not stated): gnomAD 0.00001.
gnomAD v4.1: 1 of 1,613,386 alleles (0.000062%); highest among the groups gnomAD compares: Non-Finnish European, 0.000085%; no homozygotes.

Submissions (12):

Mayo Clinic Laboratories, Mayo Clinic
Classification: Pathogenic. Last evaluated: 2025-03-24. Review status: criteria provided, single submitter. Criteria: ACMG Guidelines, 2015. Collection method: clinical testing. Allele origin: germline. Observed: 2 variant alleles.
Comment: PP1_strong, PP2, PP3_moderate, PP4, PM1, PM2_supporting, PM5, PM6, PS4_moderate

Center for Statistical Genetics, Columbia University
Classification: Pathogenic for Macrothrombocytopenia and granulocyte inclusions with or without nephritis or sensorineural hearing loss. Last evaluated: 2024-11-08. Review status: criteria provided, single submitter. Criteria: ACMG Guidelines, 2015. Collection method: research. Allele origin: germline. Inheritance: Autosomal dominant inheritance. Affected: yes. Observed: 2 heterozygotes.

3billion
Classification: Pathogenic for Macrothrombocytopenia and granulocyte inclusions with or without nephritis or sensorineural hearing loss. Last evaluated: 2024-10-23. Review status: criteria provided, single submitter. Criteria: ACMG Guidelines, 2015. Collection method: clinical testing. Allele origin: germline. Affected: yes.
Comment: The variant is observed at an extremely low frequency in the gnomAD v4.1.0 dataset (total allele frequency: <0.001%). Predicted Consequence/Location: Missense variant. Missense changes are a common disease-causing mechanism. In silico tool predictions suggest damaging effect of the variant on gene or gene product [REVEL: 0.88 (>=0.6, sensitivity 0.68 and specificity 0.92); 3Cnet: 0.97 (>=0.6, sensitivity 0.72 and precision 0.9)]. The same nucleotide change resulting in the same amino acid change has been previously reported as pathogenic/likely pathogenic with strong evidence (ClinVar ID: VCV000014081 /PMID: 11590545 /3billion dataset). The variant has been observed in multiple (>3) similarly affected unrelated individuals (PMID: 24186861). Different missense changes at the same codon (p.Arg702Cys, p.Arg702Gly, p.Arg702Ser) have been reported as pathogenic/likely pathogenic with strong evidence (ClinVar ID: VCV000014078, VCV000627035, VCV002000225 /PMID: 10973259, 23123319 /3billion dataset). Therefore, this variant is classified as Pathogenic according to the recommendation of ACMG/AMP guideline.

Labcorp Genetics (formerly Invitae), Labcorp
Classification: Pathogenic. Last evaluated: 2024-10-16. Review status: criteria provided, single submitter. Criteria: Invitae Variant Classification Sherloc (09022015). Collection method: clinical testing. Allele origin: germline.
Comment: This sequence change replaces arginine, which is basic and polar, with histidine, which is basic and polar, at codon 702 of the MYH9 protein (p.Arg702His). This variant is not present in population databases (gnomAD no frequency). This missense change has been observed in individual(s) with MYH9-related disease (PMID: 11590545, 11935325, 26387855). In at least one individual the variant was observed to be de novo. ClinVar contains an entry for this variant (Variation ID: 14081). Invitae Evidence Modeling of protein sequence and biophysical properties (such as structural, functional, and spatial information, amino acid conservation, physicochemical variation, residue mobility, and thermodynamic stability) has been performed for this missense variant. However, the output from this modeling did not meet the statistical confidence thresholds required to predict the impact of this variant on MYH9 protein function. For these reasons, this variant has been classified as Pathogenic.

Genomic Medicine Center of Excellence, King Faisal Specialist Hospital and Research Centre
Classification: Pathogenic for Macrothrombocytopenia and granulocyte inclusions with or without nephritis or sensorineural hearing loss. Last evaluated: 2024-09-22. Review status: criteria provided, single submitter. Criteria: ACMG Guidelines, 2015. Collection method: clinical testing. Allele origin: germline.

GeneDx
Classification: Pathogenic. Last evaluated: 2024-03-05. Review status: criteria provided, single submitter. Criteria: GeneDx Variant Classification Process June 2021. Collection method: clinical testing. Allele origin: germline. Affected: yes.
Comment: Not observed at significant frequency in large population cohorts (gnomAD); In silico analysis supports that this missense variant has a deleterious effect on protein structure/function; This variant is associated with the following publications: (PMID: 31064749, 23207509, 16098078, 26226608, 37201161, 31328266, 34383333, 24186861, 37752057, 25077172, 30103613, 22558294, 24165359, 37733142, 23223919, 11590545, 20200500, 26387855, 30916803, 17241369, 35530141, 11935325, 32980210)

Dasa
Classification: Pathogenic for MYH9-related disorder. Last evaluated: 2022-03-05. Review status: criteria provided, single submitter. Criteria: ACMG Guidelines, 2015. Collection method: clinical testing. Allele origin: germline. Affected: yes. Observed: 1 variant allele.
Comment: The c.2105G>A;p.(Arg702His) missense variant has been observed in affected individual(s) and ClinVar contains an entry for this variant (ClinVar ID: 14081; PMID: 31064749; PMID: 11935325; PMID: 11590545) - PS4. The variant is located in a mutational hot spot and/or critical and well-established functional domain (Myosin_head) - PM1. This variant is not present in population databases (rs80338827- gnomAD; ABraOM no frequency) - PM2. The variant co-segregated with disease in multiple affected family members (PMID: 11935325) - PP1_strong. Multiple lines of computational evidence support a deleterious effect on the gene or gene product - PP3. In summary, the currently available evidence indicates that the variant is pathogenic.

NIHR Bioresource Rare Diseases, University of Cambridge
Classification: Likely pathogenic for MYH9-related disorder. Last evaluated: 2019-02-01. Review status: criteria provided, single submitter. Criteria: ACMG Guidelines, 2015. Collection method: research. Allele origin: unknown. Affected: yes. Observed: 1 heterozygote. Study: ThromboGenomics.

CeGaT Center for Human Genetics Tuebingen
Classification: Pathogenic. Last evaluated: 2018-07-01. Review status: criteria provided, single submitter. Criteria: CeGaT Center For Human Genetics Tuebingen Variant Classification Criteria Version 2. Collection method: clinical testing. Allele origin: germline. Affected: yes. Observed: 1 variant allele.

Centre for Mendelian Genomics, University Medical Centre Ljubljana
Classification: Likely pathogenic for Macrothrombocytopenia and granulocyte inclusions with or without nephritis or sensorineural hearing loss. Last evaluated: 2016-01-01. Review status: criteria provided, single submitter. Criteria: ACMG Guidelines, 2015. Collection method: clinical testing. Allele origin: unknown. Affected: yes.
Comment: This variant was classified as: Likely pathogenic. The following ACMG criteria were applied in classifying this variant: PS1,PM2,PP3,PP4.

OMIM
Classification: Pathogenic for MACROTHROMBOCYTOPENIA AND GRANULOCYTE INCLUSIONS WITH OR WITHOUT NEPHRITIS OR SENSORINEURAL HEARING LOSS. Last evaluated: 2002-02-01. Review status: no assertion criteria provided. Collection method: literature only. Allele origin: germline. Not counted in ClinVar's aggregate classification.

GeneReviews
No classification provided. Condition: Macrothrombocytopenia and granulocyte inclusions with or without nephritis or sensorineural hearing loss. Review status: no classification provided. Collection method: literature only. Allele origin: germline. Not counted in ClinVar's aggregate classification.
Comment: Associated with most severe phenotype

Literature cited by the submitters: PubMed 11590545 (cited by 5 submitters); PubMed 11935325 (cited by 4 submitters); PubMed 12792306 (cited by Mayo Clinic Laboratories, Mayo Clinic); PubMed 16098078 (cited by Mayo Clinic Laboratories, Mayo Clinic); PubMed 16769605 (cited by Mayo Clinic Laboratories, Mayo Clinic); PubMed 17241369 (cited by Mayo Clinic Laboratories, Mayo Clinic); PubMed 18059020 (cited by Mayo Clinic Laboratories, Mayo Clinic); PubMed 19839854 (cited by Mayo Clinic Laboratories, Mayo Clinic); PubMed 20174760 (cited by Mayo Clinic Laboratories, Mayo Clinic); PubMed 20200500 (cited by Mayo Clinic Laboratories, Mayo Clinic); PubMed 20588287 (cited by Mayo Clinic Laboratories, Mayo Clinic); PubMed 20601875 (cited by Mayo Clinic Laboratories, Mayo Clinic); PubMed 21796764 (cited by Mayo Clinic Laboratories, Mayo Clinic); PubMed 22672365 (cited by Mayo Clinic Laboratories, Mayo Clinic); PubMed 23207509 (cited by Mayo Clinic Laboratories, Mayo Clinic); PubMed 24165359 (cited by Mayo Clinic Laboratories, Mayo Clinic); PubMed 24186861 (cited by Mayo Clinic Laboratories, Mayo Clinic and 3billion); PubMed 25077172 (cited by Mayo Clinic Laboratories, Mayo Clinic); PubMed 26226608 (cited by Mayo Clinic Laboratories, Mayo Clinic); PubMed 26387855 (cited by Mayo Clinic Laboratories, Mayo Clinic and Labcorp Genetics (formerly Invitae), Labcorp); PubMed 30103613 (cited by Mayo Clinic Laboratories, Mayo Clinic); PubMed 31064749 (cited by 3 submitters); PubMed 31328266 (cited by Mayo Clinic Laboratories, Mayo Clinic); PubMed 32980210 (cited by Mayo Clinic Laboratories, Mayo Clinic); PubMed 34383333 (cited by Mayo Clinic Laboratories, Mayo Clinic); PubMed 37201161 (cited by Mayo Clinic Laboratories, Mayo Clinic); PubMed 10973259 (cited by 3billion); NCBI Bookshelf NBK2689 (cited by GeneReviews).